The following is an entry in ClinVar:

ClinVar aggregate classification (germline): Likely benign (0 of 4 stars; one submission).

Conditions:
SEMA3A-related disorder. Also called: SEMA3A-related condition.

gnomAD v4.1: 7 of 1,613,856 alleles (0.00043%); highest among the groups gnomAD compares: African/African-American, 0.0053%; no homozygotes.

Submission:

PreventionGenetics, part of Exact Sciences
Classification: Likely benign for SEMA3A-related condition. Last evaluated: 2024-01-30. Review status: no assertion criteria provided. Collection method: clinical testing. Allele origin: germline.
Comment: This variant is classified as likely benign based on ACMG/AMP sequence variant interpretation guidelines (Richards et al. 2015 PMID: 25741868, with internal and published modifications).

NM_006080.3(SEMA3A):c.885G>A (p.Val295=)

Gene: SEMA3A (semaphorin 3A; minus strand). Cytogenetic location: 7q21.11.
Variant type: single nucleotide variant.
Coding change: c.885G>A on transcript NM_006080.3 (MANE Select); coding-DNA position 885, G replaced by A.
Protein change: p.Val295=; no amino-acid change (valine 295 retained).
Molecular consequence: synonymous variant.
Genome position (GRCh38, 1-based): chr7:84,011,223, C>T on the plus strand (G>A on the coding strand, the complement: SEMA3A is on the minus strand). VCF-style: chr7-84011223-C-T. GRCh37 (hg19) VCF-style: chr7-83640539-C-T.
Identifiers: ClinVar variation 3356567 (VCV003356567.1).